The following is an entry in ClinVar:

ClinVar aggregate classification (germline): Uncertain significance (1 of 4 stars; one submission).

Conditions:
Cardiovascular phenotype. Identifiers: MedGen CN230736.

gnomAD v4.1: 4 of 1,614,098 alleles (0.00025%); highest among the groups gnomAD compares: Admixed American, 0.0017%; no homozygotes.

Submission:

Ambry Genetics
Classification: Uncertain significance for Cardiovascular phenotype. Last evaluated: 2025-07-09. Review status: criteria provided, single submitter. Criteria: Ambry Variant Classification Scheme 2023. Collection method: clinical testing. Allele origin: germline.
Comment: The p.A405V variant (also known as c.1214C>T), located in coding exon 12 of the ANK2 gene, results from a C to T substitution at nucleotide position 1214. The alanine at codon 405 is replaced by valine, an amino acid with similar properties. This variant has been reported in a neurodevelopmental disorders cohort (Wang T et al. Nat Commun, 2020 Oct;11:4932). This amino acid position is highly conserved in available vertebrate species. In addition, this alteration is predicted to be deleterious by in silico analysis. Based on the available evidence, the clinical significance of this variant remains unclear.

Literature cited by the submitters: PubMed 33004838.

NM_001148.6(ANK2):c.1214C>T (p.Ala405Val)

Gene: ANK2 (ankyrin 2; plus strand). Cytogenetic location: 4q26.
Variant type: single nucleotide variant.
Coding change: c.1214C>T on transcript NM_001148.6 (MANE Select); coding-DNA position 1214, C replaced by T.
Protein change: p.Ala405Val; replaces alanine 405 with valine.
Molecular consequence: missense variant. On other transcripts: intron variant (5).
Genome position (GRCh38, 1-based): chr4:113,258,075, C>T. VCF-style: chr4-113258075-C-T. GRCh37 (hg19) VCF-style: chr4-114179231-C-T.
Other names: c.1151C>T, p.Ala384Val (NM_001127493.3, NM_001354239.2, NM_001354243.2 and 14 more transcripts); c.1214C>T, p.Ala405Val (NM_001354225.2, NM_001354228.2, NM_001354232.2 and 8 more transcripts); c.1259C>T, p.Ala420Val (NM_001354230.2, NM_001354231.2, NM_001354237.2 and 5 more transcripts); c.1127C>T, p.Ala376Val (NM_001354249.2, NM_001354271.2, NM_001354274.2 and 13 more transcripts); c.1172C>T, p.Ala391Val (NM_001386160.1, NM_001354261.2, NM_001386147.1); c.1265C>T, p.Ala422Val (NM_001386174.1); c.1241C>T, p.Ala414Val (NM_001386175.1); c.1202C>T, p.Ala401Val (NM_001386186.2, NM_001386148.2); and 4 more; short protein forms A384V, A393V, A420V, A401V, A376V, A405V, A414V, A391V.
Identifiers: ClinVar variation 4096238 (VCV004096238.1).